The following is an entry in ClinVar:

ClinVar aggregate classification (germline): Uncertain significance. Review status: criteria provided, single submitter (1 of 4 stars). 2 submissions from 2 submitters: Uncertain significance (1). 1 of the submissions does not count toward it. Last evaluated 2025-11-19.

Conditions:
Cohen syndrome (COH1). Also called: PEPPER SYNDROME; Cutis verticis gyrata, retinitis pigmentosa, and sensorineural deafness. Identifiers: Orphanet 193, MedGen C0265223, MONDO:0008999, OMIM 216550.

Submissions (2):

Labcorp Genetics (formerly Invitae), Labcorp
Classification: Uncertain significance for Cohen syndrome. Last evaluated: 2025-11-19. Review status: criteria provided, single submitter. Criteria: Invitae Variant Classification Sherloc (09022015). Collection method: clinical testing. Allele origin: germline.
Comment: This sequence change replaces phenylalanine, which is neutral and non-polar, with valine, which is neutral and non-polar, at codon 2393 of the VPS13B protein (p.Phe2393Val). This variant is not present in population databases (gnomAD no frequency). This variant has not been reported in the literature in individuals affected with VPS13B-related conditions. ClinVar contains an entry for this variant (Variation ID: 4063138). Invitae Evidence Modeling of protein sequence and biophysical properties (such as structural, functional, and spatial information, amino acid conservation, physicochemical variation, residue mobility, and thermodynamic stability) indicates that this missense variant is expected to disrupt VPS13B protein function with a positive predictive value of 80%. In summary, the available evidence is currently insufficient to determine the role of this variant in disease. Therefore, it has been classified as a Variant of Uncertain Significance.

Natera, Inc.
Classification: Uncertain significance for Cohen syndrome. Last evaluated: 2025-04-14. Review status: no assertion criteria provided. Collection method: clinical testing. Allele origin: germline. Not counted in ClinVar's aggregate classification.

NM_152564.5(VPS13B):c.7102T>G (p.Phe2368Val)

Gene: VPS13B (vacuolar protein sorting 13 homolog B; plus strand). Cytogenetic location: 8q22.2.
Variant type: single nucleotide variant.
Coding change: c.7102T>G on transcript NM_152564.5 (MANE Select); coding-DNA position 7102, T replaced by G.
Protein change: p.Phe2368Val; replaces phenylalanine 2368 with valine.
Molecular consequence: missense variant.
Genome position (GRCh38, 1-based): chr8:99,766,825, T>G. VCF-style: chr8-99766825-T-G. GRCh37 (hg19) VCF-style: chr8-100779053-T-G.
Other names: c.7177T>G, p.Phe2393Val (NM_017890.5); short protein forms F2368V, F2393V.
Identifiers: ClinVar variation 4063138 (VCV004063138.2).
Genomic context (GRCh38, chr8:99,766,825, plus strand): 5'-TTAACATAGGTTCCTTGTAGCTTGGAATACTGGGATGAACTCCAGAAGGTTTTTGTTGCA[T>G]TTAGAGAATTTAATCTGTCTGAAAGCAAAGTTTGTGAACTGCAGTTGCCGGATATCAATC-3'
Protein context (NP_689777.3, residues 2358-2378): WDELQKVFVA[Phe2368Val]REFNLSESKV